The following is an entry in ClinVar:

NM_002693.3(POLG):c.*4T>C

Genes: FANCI (FA complementation group I; plus strand), POLG (DNA polymerase gamma, catalytic subunit; minus strand). Cytogenetic location: 15q26.1.
Variant type: single nucleotide variant.
Coding change: c.*4T>C on transcript NM_002693.3 (MANE Select); 4 bases downstream of the stop codon, T replaced by C.
Molecular consequence: 3 prime UTR variant.
Genome position (GRCh38, 1-based): chr15:89,316,747, A>G on the plus strand (T>C on the coding strand, the complement: POLG is on the minus strand). VCF-style: chr15-89316747-A-G. GRCh37 (hg19) VCF-style: chr15-89859978-A-G.
Other names: c.*288A>G (NM_001113378.2, NM_001376910.1, NM_001376911.1 and 1 more transcripts); c.*4T>C (NM_001126131.2).
Identifiers: ClinVar variation 382341 (VCV000382341.1), dbSNP rs1057521336, ClinGen allele CA16607048.

ClinVar aggregate classification (germline): Likely benign (1 of 4 stars; one submission).

Submission:

GeneDx
Classification: Likely benign. Last evaluated: 2015-12-23. Review status: criteria provided, single submitter. Criteria: GeneDx Variant Classification (06012015). Collection method: clinical testing. Allele origin: germline. Affected: yes.
Comment: This variant is considered likely benign or benign based on one or more of the following criteria: it is a conservative change, it occurs at a poorly conserved position in the protein, it is predicted to be benign by multiple in silico algorithms, and/or has population frequency not consistent with disease.